The following is an entry in ClinVar:

ClinVar aggregate classification (germline): Benign/Likely benign. Review status: criteria provided, multiple submitters, no conflicts (2 of 4 stars). 7 submissions from 7 submitters: Benign (1); Likely benign (6). Last evaluated 2026-04-15.

Conditions:
Hereditary cancer-predisposing syndrome. Also called: Hereditary neoplastic syndrome; Neoplastic Syndromes, Hereditary; Hereditary Cancer Syndrome; Tumor predisposition. Identifiers: Orphanet 140162, MedGen C0027672, MeSH D009386, MONDO:0015356.
DICER1-related tumor predisposition. Also called: DICER1-related pleuropulmonary blastoma cancer predisposition syndrome; DICER1 syndrome. Identifiers: Orphanet 284343, MedGen C3839822, MONDO:0100216.

Allele frequency attached by ClinVar (database versions not stated): gnomAD exomes 0.00001 and 0.00002; ExAC 0.00003; gnomAD 0.00005 and 0.00006; TOPMed 0.00006.
gnomAD v4.1: 23 of 1,613,904 alleles (0.0014%); highest among the groups gnomAD compares: African/African-American, 0.027%; no homozygotes.

Submissions (7):

Myriad Genetics, Inc.
Classification: Benign for DICER1-related tumor predisposition. Last evaluated: 2026-04-15. Review status: criteria provided, single submitter. Criteria: Myriad Autosomal Dominant, Autosomal Recessive and X-Linked Classification Criteria (2023). Collection method: clinical testing. Allele origin: unknown.
Comment: This variant is considered benign. This variant is a silent/synonymous amino acid change and it is not expected to impact splicing.

Labcorp Genetics (formerly Invitae), Labcorp
Classification: Likely benign for DICER1-related tumor predisposition. Last evaluated: 2025-12-09. Review status: criteria provided, single submitter. Criteria: Invitae Variant Classification Sherloc (09022015). Collection method: clinical testing. Allele origin: germline.

Quest Diagnostics Nichols Institute San Juan Capistrano
Classification: Likely benign. Last evaluated: 2025-02-04. Review status: criteria provided, single submitter. Criteria: Quest Diagnostics criteria. Collection method: clinical testing. Allele origin: unknown.

Sema4
Classification: Likely benign for Hereditary cancer-predisposing syndrome. Last evaluated: 2021-06-02. Review status: criteria provided, single submitter. Criteria: Sema4 Curation Guidelines. Collection method: curation. Allele origin: germline.

PreventionGenetics, part of Exact Sciences
Classification: Likely benign. Last evaluated: 2018-04-16. Review status: criteria provided, single submitter. Criteria: ACMG Guidelines, 2015. Collection method: clinical testing. Allele origin: germline.

GeneDx
Classification: Likely benign. Last evaluated: 2018-02-22. Review status: criteria provided, single submitter. Criteria: GeneDx Variant Classification (06012015). Collection method: clinical testing. Allele origin: germline. Affected: yes.
Comment: This variant is considered likely benign or benign based on one or more of the following criteria: it is a conservative change, it occurs at a poorly conserved position in the protein, it is predicted to be benign by multiple in silico algorithms, and/or has population frequency not consistent with disease.

Ambry Genetics
Classification: Likely benign for Hereditary cancer-predisposing syndrome. Last evaluated: 2017-05-12. Review status: criteria provided, single submitter. Criteria: Ambry Variant Classification Scheme 2023. Collection method: clinical testing. Allele origin: germline.

NM_177438.3(DICER1):c.1506A>G (p.Glu502=)

Gene: DICER1 (dicer 1, ribonuclease III; minus strand). Cytogenetic location: 14q32.13.
Variant type: single nucleotide variant.
Coding change: c.1506A>G on transcript NM_177438.3 (MANE Select); coding-DNA position 1506, A replaced by G.
Protein change: p.Glu502=; no amino-acid change (glutamic acid 502 retained).
Molecular consequence: synonymous variant.
Genome position (GRCh38, 1-based): chr14:95,117,625, T>C on the plus strand (A>G on the coding strand, the complement: DICER1 is on the minus strand). VCF-style: chr14-95117625-T-C. GRCh37 (hg19) VCF-style: chr14-95583962-T-C.
Other names: c.1506A>G, p.Glu502= (NM_001195573.1, NM_001271282.3, NM_001291628.2 and 1 more transcripts).
Identifiers: ClinVar variation 242041 (VCV000242041.21), dbSNP rs754334322, ClinGen allele CA7331473.